The following is an entry in ClinVar:

ClinVar aggregate classification (germline): Conflicting classifications of pathogenicity. Review status: criteria provided, conflicting classifications (1 of 4 stars). 15 submissions from 15 submitters: Uncertain significance (10); Likely benign (2). 3 of the submissions do not count toward it. Last evaluated 2025-07-24.

Conditions:
TTN-related disorder. Also called: TTN-related condition; TTN-related disease; TTN-related disorders.
Cardiovascular phenotype. Identifiers: MedGen CN230736.
Dilated cardiomyopathy 1G (CMD1G). Identifiers: Orphanet 154, MedGen C1858763, MONDO:0011400, OMIM 604145.
Autosomal recessive limb-girdle muscular dystrophy type 2J (LGMDR10). Also called: Limb-girdle muscular dystrophy, type 2J; MUSCULAR DYSTROPHY, LIMB-GIRDLE, AUTOSOMAL RECESSIVE 10. Identifiers: Orphanet 140922, MedGen C1837342, MONDO:0012127, OMIM 608807.
Tibial muscular dystrophy (TMD). Also called: Udd Distal Myopathy – Tibial Muscular Dystrophy; UDD MYOPATHY; Tibial muscular dystrophy, tardive. Identifiers: Orphanet 609, MedGen C1838244, MONDO:0010870, OMIM 600334.
Myopathy, myofibrillar, 9, with early respiratory failure (MFM9). Also called: Hereditary myopathy with early respiratory failure; EDSTROM MYOPATHY; MYOPATHY, PROXIMAL, WITH EARLY RESPIRATORY MUSCLE INVOLVEMENT; Myopathy, distal, with early respiratory failure, autosomal dominant. Identifiers: Orphanet 178464, Orphanet 34521, MedGen C1863599, MONDO:0011362, OMIM 603689.
Hypertrophic cardiomyopathy 9. Also called: Familial hypertrophic cardiomyopathy 9. Identifiers: MedGen C1861065, MONDO:0013412, OMIM 613765.
Early-onset myopathy with fatal cardiomyopathy (CMYO5). Also called: CONGENITAL MYOPATHY 5 WITH CARDIOMYOPATHY; Salih Myopathy. Identifiers: Orphanet 289377, MedGen C2673677, MONDO:0012714, OMIM 611705. Disease mechanism: loss of function.
Cardiomyopathy (CMYO). Also called: Cardiomyopathies. Identifiers: Orphanet 167848, MedGen C0878544, MONDO:0004994, HP:0001638. Inheritance: Various modes of inheritance.

Submissions (15):

Molecular Diagnostic Laboratory for Inherited Cardiovascular Disease, Montreal Heart Institute
Classification: Uncertain significance for Cardiovascular phenotype. Last evaluated: 2025-07-24. Review status: criteria provided, single submitter. Criteria: ACMG Guidelines, 2015. Collection method: clinical testing. Allele origin: germline. Affected: yes.
Comment: PM4, BP5

Women's Health and Genetics/Laboratory Corporation of America, LabCorp
Classification: Uncertain significance. Last evaluated: 2025-07-07. Review status: criteria provided, single submitter. Criteria: LabCorp Variant Classification Summary - May 2015. Collection method: clinical testing. Allele origin: germline.
Comment: Variant summary: TTN c.36780_36782delAGA (p.Glu12260del) results in an in-frame deletion that is predicted to remove 1 amino acid from the encoded protein. The variant allele was found at a frequency of 7.1e-05 in 240118 control chromosomes. This frequency is not significantly higher than estimated for a pathogenic variant in TTN causing Cardiomyopathy (7.1e-05 vs 0.00063), allowing no conclusion about variant significance. To our knowledge, no occurrence of c.36780_36782delAGA in individuals affected with Cardiomyopathy and no experimental evidence demonstrating its impact on protein function have been reported. Co-occurrences with other pathogenic variant(s) have been reported (TTR c.424G>A, p.Val142Ile, Internal testing), providing supporting evidence for a benign role. ClinVar contains an entry for this variant (Variation ID: 180053). Based on the evidence outlined above, the variant was classified as uncertain significance.

PreventionGenetics, part of Exact Sciences
Classification: Likely benign for TTN-related condition. Last evaluated: 2025-06-20. Review status: criteria provided, single submitter. Criteria: ACMG Guidelines, 2015. Collection method: clinical testing. Allele origin: germline.
Comment: This variant is classified as likely benign based on ACMG/AMP sequence variant interpretation guidelines (Richards et al. 2015 PMID: 25741868, with internal and published modifications).

ARUP Laboratories, Molecular Genetics and Genomics, ARUP Laboratories
Classification: Uncertain significance. Last evaluated: 2025-04-03. Review status: criteria provided, single submitter. Criteria: ARUP Molecular Germline Variant Investigation Process 2024. Collection method: clinical testing. Allele origin: germline.
Comment: The TTN c.44484_44486del; p.Glu14828del variant (rs727505315), to our knowledge, is not reported in the medical literature but is reported in ClinVar (Variation ID: 180053). This variant is found in the non-Finnish European population with an allele frequency of 0.0015% (19/125360 alleles) in the Genome Aggregation Database (v2.1.1). This variant deletes a single glutamic acid residue leaving the rest of the protein in-frame. Due to limited information, the clinical significance of this variant is uncertain at this time. References: Begay RL et al. Role of Titin Missense Variants in Dilated Cardiomyopathy. J Am Heart Assoc. 2015 Nov 13;4(11). PMID: 26567375. Herman DS et al. Truncations of titin causing dilated cardiomyopathy. N Engl J Med. 2012 Feb 16;366(7):619-28. PMID: 22335739. Linke WA and Hamdani N. Gigantic business: titin properties and function through thick and thin. Circ Res 2014; 114(6): 1052-1068. PMID: 24625729.

Revvity Omics, Revvity
Classification: Uncertain significance. Last evaluated: 2024-08-08. Review status: criteria provided, single submitter. Criteria: ACMG Guidelines, 2015. Collection method: clinical testing. Allele origin: germline.

Blueprint Genetics
Classification: Likely benign. Last evaluated: 2024-07-17. Review status: criteria provided, single submitter. Criteria: ACMG Guidelines, 2015. Collection method: clinical testing. Allele origin: germline.

Ambry Genetics
Classification: Uncertain significance for Cardiovascular phenotype. Last evaluated: 2024-03-06. Review status: criteria provided, single submitter. Criteria: Ambry Variant Classification Scheme 2023. Collection method: clinical testing. Allele origin: germline.
Comment: The c.17289_17291delAGA variant (also known as p.E5763del) is located in coding exon 68 of the TTN gene. This variant results from an in-frame AGA deletion at nucleotide positions 17289 to 17291. This results in the in-frame deletion of a glutamic acid at codon 5763. This amino acid position is not well conserved in available vertebrate species. In addition, this alteration is predicted to be deleterious by in silico analysis (Choi Y et al. PLoS ONE. 2012; 7(10):e46688). Based on the available evidence, the clinical significance of this alteration remains unclear.

Fulgent Genetics
Classification: Uncertain significance for Tibial muscular dystrophy; Myopathy, myofibrillar, 9, with early respiratory failure; Dilated cardiomyopathy 1G; Autosomal recessive limb-girdle muscular dystrophy type 2J; Early-onset myopathy with fatal cardiomyopathy; Hypertrophic cardiomyopathy 9. Last evaluated: 2021-07-06. Review status: criteria provided, single submitter. Criteria: ACMG Guidelines, 2015. Collection method: clinical testing. Allele origin: unknown.

CHEO Genetics Diagnostic Laboratory, Children's Hospital of Eastern Ontario
Classification: Uncertain significance for Cardiomyopathy. Last evaluated: 2019-11-07. Review status: criteria provided, single submitter. Criteria: ACMG Guidelines, 2015. Collection method: clinical testing. Allele origin: germline.

Eurofins Ntd Llc (ga)
Classification: Uncertain significance. Last evaluated: 2018-06-19. Review status: criteria provided, single submitter. Criteria: EGL ClinVar v180209 classification definitions. Collection method: clinical testing. Allele origin: germline. Observed: 3 variant alleles, 1 heterozygote.

Labcorp Genetics (formerly Invitae), Labcorp
Classification: Uncertain significance for Dilated cardiomyopathy 1G; Autosomal recessive limb-girdle muscular dystrophy type 2J. Last evaluated: 2017-11-23. Review status: criteria provided, single submitter. Criteria: Invitae Variant Classification Sherloc (09022015). Collection method: clinical testing. Allele origin: germline.

Laboratory for Molecular Medicine, Mass General Brigham Personalized Medicine
Classification: Uncertain significance. Last evaluated: 2015-11-13. Review status: criteria provided, single submitter. Criteria: LMM Criteria. Collection method: clinical testing. Allele origin: germline. Observed: 2 variant alleles.
Comment: This variant has also been identified in 6/66668 Euro pean chromosomes by the Exome Aggregation Consortium (ExAC). This variant is a deletion of 1 amino acid at position 12260 and is not predicted to alter the protein reading-frame. It is unclear if this deleti on will impact the protein. In summary, the clinical significance of the p.Glu12 260del variant is uncertain.

GeneDx
No classification provided. Last evaluated: 2014-10-24. Review status: no classification provided. Criteria: GeneDx Variant Classification (06012015). Collection method: clinical testing. Allele origin: germline. Affected: yes. Not counted in ClinVar's aggregate classification.
Comment: Missense variants in the TTN gene are considered 'unclassified' if they are not previously reported in the literature and do not have >1% frequency in the population to be considered a polymorphism. Research indicates that truncating mutations in the TTN gene are expected to account for approximately 25% of familial and 18% of sporadic idiopathic DCM; however, truncating variants in the TTN gene have been reported in approximately 3% of reported control alleles. There has been little investigation into non-truncating variants. (Herman D et al. Truncations of titin causing dilated cardiomyopathy. N Eng J Med 366:619-628, 2012) The variant is found in DCM-CRDM panel(s).

Clinical Genetics, Academic Medical Center
Classification: Uncertain significance. Review status: no assertion criteria provided. Collection method: clinical testing. Allele origin: germline. Affected: yes. Study: VKGL Data-share Consensus. Not counted in ClinVar's aggregate classification.

Genome Diagnostics Laboratory, University Medical Center Utrecht
Classification: Uncertain significance. Review status: no assertion criteria provided. Collection method: clinical testing. Allele origin: germline. Affected: yes. Study: VKGL Data-share Consensus. Not counted in ClinVar's aggregate classification.

NM_001267550.2(TTN):c.44481AGA[1] (p.Glu14828del)

Gene: TTN (titin; minus strand). Cytogenetic location: 2q31.2.
Variant type: Microsatellite.
Coding change: c.44481AGA[1] on transcript NM_001267550.2 (MANE Select); one copy of the 3-base unit AGA starting at c.44481; the reference has two copies in a row; one copy, 3 bases deleted; also written c.44484_44486del.
Protein change: p.Glu14828del; deletes glutamic acid 14828.
Molecular consequence: inframe deletion.
Genome position (GRCh38, 1-based): chr2:178,625,335-178,625,337, TCT deleted on the plus strand (AGA on the coding strand, the reverse complement: TTN is on the minus strand); deleting any 3 consecutive bases within chr2:178,625,335-178,625,340 gives the same sequence; the position shown is the placement nearest the transcript's 3' end. VCF-style (leftmost placement, unchanged base first): chr2-178625334-ATCT-A. GRCh37 (hg19) VCF-style: chr2-179490061-ATCT-A.
Other names: c.39561_39563del (NM_001256850.1); c.39558AGA[1], p.Glu13187del (NM_001256850.1); c.17286AGA[1], p.Glu5763del (NM_003319.4); c.36777AGA[1], p.Glu12260del (NM_133378.4); c.17661AGA[1], p.Glu5888del (NM_133432.3); c.17862AGA[1], p.Glu5955del (NM_133437.4); c.39561_39563delAGA (NM_001256850.1); c.36780_36782delAGA (NM_133378.4); and 4 more; short protein forms E12260del, E14828del, E13187del, E5763del, E5888del, E5955del.
Identifiers: ClinVar variation 180053 (VCV000180053.30), dbSNP rs727505315, ClinGen allele CA185715.